The following is an entry in ClinVar:

NM_002778.4(PSAP):c.325A>G (p.Ile109Val)

Gene: PSAP (prosaposin; minus strand). Cytogenetic location: 10q22.1.
Variant type: single nucleotide variant.
Coding change: c.325A>G on transcript NM_002778.4 (MANE Select); coding-DNA position 325, A replaced by G.
Protein change: p.Ile109Val; replaces isoleucine 109 with valine.
Molecular consequence: missense variant.
Genome position (GRCh38, 1-based): chr10:71,831,176, T>C on the plus strand (A>G on the coding strand, the complement: PSAP is on the minus strand). VCF-style: chr10-71831176-T-C. GRCh37 (hg19) VCF-style: chr10-73590933-T-C.
Other names: c.325A>G, p.Ile109Val (NM_001042465.3, NM_001042466.3); short protein forms I109V.
Identifiers: ClinVar variation 1918288 (VCV001918288.5), dbSNP rs750768608, ClinGen allele CA5547801.

ClinVar aggregate classification (germline): Uncertain significance (1 of 4 stars; one submission).

Conditions:
Sphingolipid activator protein 1 deficiency. Also called: Saposin B Deficiency; METACHROMATIC LEUKODYSTROPHY DUE TO CEREBROSIDE SULFATASE ACTIVATOR DEFICIENCY; Metachromatic leukodystrophy due to saposin B deficiency. Identifiers: Orphanet 512, MedGen C0268262, MONDO:0009590, OMIM 249900.

Allele frequency attached by ClinVar (database versions not stated): ExAC 0.00002; 1000 Genomes Project 30x 0.00016.

Submission:

Labcorp Genetics (formerly Invitae), Labcorp
Classification: Uncertain significance for Sphingolipid activator protein 1 deficiency. Last evaluated: 2022-04-04. Review status: criteria provided, single submitter. Criteria: Invitae Variant Classification Sherloc (09022015). Collection method: clinical testing. Allele origin: germline.
Comment: This variant is present in population databases (rs750768608, gnomAD 0.002%). This sequence change replaces isoleucine, which is neutral and non-polar, with valine, which is neutral and non-polar, at codon 109 of the PSAP protein (p.Ile109Val). This variant has not been reported in the literature in individuals affected with PSAP-related conditions. Algorithms developed to predict the effect of missense changes on protein structure and function output the following: SIFT: "Not Available"; PolyPhen-2: "Benign"; Align-GVGD: "Not Available". The valine amino acid residue is found in multiple mammalian species, which suggests that this missense change does not adversely affect protein function. In summary, the available evidence is currently insufficient to determine the role of this variant in disease. Therefore, it has been classified as a Variant of Uncertain Significance.